The following is an entry in ClinVar:

ClinVar aggregate classification (germline): Pathogenic (1 of 4 stars; one submission).

Conditions:
Hypertrophic cardiomyopathy. Also called: HYPERTROPHIC MYOCARDIOPATHY. Identifiers: Orphanet 217569, MedGen C0007194, MeSH D002312, MONDO:0005045, HP:0001639.

Submission:

Labcorp Genetics (formerly Invitae), Labcorp
Classification: Pathogenic for Hypertrophic cardiomyopathy. Last evaluated: 2023-01-26. Review status: criteria provided, single submitter. Criteria: Invitae Variant Classification Sherloc (09022015). Collection method: clinical testing. Allele origin: germline.
Comment: For these reasons, this variant has been classified as Pathogenic. This variant disrupts the p.Asp717 amino acid residue in MYH7. Other variant(s) that disrupt this residue have been determined to be pathogenic (Invitae). This suggests that this residue is clinically significant, and that variants that disrupt this residue are likely to be disease-causing. Advanced modeling of protein sequence and biophysical properties (such as structural, functional, and spatial information, amino acid conservation, physicochemical variation, residue mobility, and thermodynamic stability) performed at Invitae indicates that this missense variant is expected to disrupt MYH7 protein function. This missense change has been observed in individual(s) with hypertrophic cardiomyopathy (PMID: 25558701). It has also been observed to segregate with disease in related individuals. This variant is not present in population databases (gnomAD no frequency). This sequence change replaces aspartic acid, which is acidic and polar, with glycine, which is neutral and non-polar, at codon 717 of the MYH7 protein (p.Asp717Gly).

Literature cited by the submitters: PubMed 25558701.

NM_000257.4(MYH7):c.2150A>G (p.Asp717Gly)

Gene: MYH7 (myosin heavy chain 7; minus strand). Cytogenetic location: 14q11.2.
Variant type: single nucleotide variant.
Coding change: c.2150A>G on transcript NM_000257.4 (MANE Select); coding-DNA position 2150, A replaced by G.
Protein change: p.Asp717Gly; replaces aspartic acid 717 with glycine.
Molecular consequence: missense variant.
Genome position (GRCh38, 1-based): chr14:23,425,976, T>C on the plus strand (A>G on the coding strand, the complement: MYH7 is on the minus strand). VCF-style: chr14-23425976-T-C. GRCh37 (hg19) VCF-style: chr14-23895185-T-C.
Other names: c.2150A>G, p.Asp717Gly (NM_001407004.1); short protein forms D717G.
Identifiers: ClinVar variation 2736084 (VCV002736084.3), dbSNP rs2502289272, ClinGen allele CA389049026.